The following is an entry in ClinVar:

NM_000158.4(GBE1):c.1464_1465insGCAGAAT (p.Ser489fs)

Gene: GBE1 (1,4-alpha-glucan branching enzyme 1; minus strand). Cytogenetic location: 3p12.2.
Variant type: Insertion.
Coding change: c.1464_1465insGCAGAAT on transcript NM_000158.4 (MANE Select); coding-DNA positions 1464 to 1465, GCAGAAT inserted.
Protein change: p.Ser489fs; shifts the reading frame from serine 489.
Molecular consequence: frameshift variant.
Genome position: GRCh38 VCF-style: chr3-81578078-A-AATTCTGC. GRCh37 (hg19) VCF-style: chr3-81627229-A-AATTCTGC.
Other names: short protein forms S489fs.
Identifiers: ClinVar variation 5010980 (VCV005010980.1).

ClinVar aggregate classification (germline): Pathogenic (1 of 4 stars; one submission).

Conditions:
Glycogen storage disease, type IV (GSD4). Also called: AMYLOPECTINOSIS; ANDERSEN DISEASE; BRANCHER DEFICIENCY; CIRRHOSIS, FAMILIAL, WITH DEPOSITION OF ABNORMAL GLYCOGEN; GBE1 DEFICIENCY; GLYCOGEN BRANCHING ENZYME DEFICIENCY. Identifiers: Orphanet 367, MedGen C0017923, MONDO:0009292, OMIM 232500.

Submission:

Myriad Genetics, Inc.
Classification: Pathogenic for Glycogen storage disease, type IV. Last evaluated: 2024-05-14. Review status: criteria provided, single submitter. Criteria: Myriad Autosomal Dominant, Autosomal Recessive and X-Linked Classification Criteria (2023). Collection method: clinical testing. Allele origin: unknown.
Comment: NM_000158.3(GBE1):c.1464_1465ins7(S489Afs*28) is expected to be pathogenic in the context of glycogen storage disease, GBE1-related. This variant is predicted to lead to an abnormal or absent protein product due to the creation of a premature termination codon in GBE1, a gene where loss-of-function variants are known to be pathogenic. Please note: this variant was assessed in the context of healthy population screening.